The following is an entry in ClinVar:

NM_001284401.2(TAMM41):c.329A>G (p.Tyr110Cys)

Gene: TAMM41 (TAM41 mitochondrial translocator assembly and maintenance homolog). Cytogenetic location: 3p25.2.
Variant type: single nucleotide variant.
Coding change: c.329A>G on transcript NM_001284401.2 (MANE Select); coding-DNA position 329, A replaced by G.
Protein change: p.Tyr110Cys; replaces tyrosine 110 with cysteine.
Molecular consequence: missense variant. On other transcripts: 5 prime UTR variant (1), non-coding transcript variant (10).
Genome position (GRCh38, 1-based): chr3:11,839,304, T>C on the plus strand (A>G on the coding strand, the complement: TAMM41 is on the minus strand). VCF-style: chr3-11839304-T-C. GRCh37 (hg19) VCF-style: chr3-11880778-T-C.
Other names: c.206A>G, p.Tyr69Cys (NM_001321294.2); c.-319A>G (NM_001321295.2); c.329A>G, p.Tyr110Cys (NM_001366031.2, NM_001394474.1, NM_138807.4); short protein forms Y110C, Y69C.
Identifiers: ClinVar variation 1299473 (VCV001299473.4), dbSNP rs2125058823, ClinGen allele CA351467663.

ClinVar aggregate classification (germline): Pathogenic. Review status: no assertion criteria provided (0 of 4 stars). 2 submissions from 2 submitters: Pathogenic (2). Last evaluated 2022-11-27.

Conditions:
Combined oxidative phosphorylation deficiency 56 (COXPD56). Identifiers: MedGen C5774261, MONDO:0859323, OMIM 620139.
Dysphagia. Identifiers: MedGen C0011168, HP:0002015.
Bilateral ptosis. Identifiers: MedGen C1865916, HP:0001488.
Gastroesophageal reflux. Identifiers: MedGen C4317146, HP:0002020.
Respiratory failure. Identifiers: MedGen C1145670, MONDO:0021113, HP:0002878.

Submissions (2):

OMIM
Classification: Pathogenic for COMBINED OXIDATIVE PHOSPHORYLATION DEFICIENCY 56. Last evaluated: 2022-11-27. Review status: no assertion criteria provided. Collection method: literature only. Allele origin: germline.

Institut IMAGINE, Institut National de la Sante et de la Recherche Medicale
Classification: Pathogenic for Bilateral ptosis; Dysphagia; Gastroesophageal reflux; Respiratory failure. Last evaluated: 2021-08-01. Review status: no assertion criteria provided. Collection method: research. Allele origin: paternal. Affected: yes. Observed: 1 variant allele.
Comment: Functional validation in a Saccharomyces cerevisiae strain deleted of TAM4: the mutant cDNA failed to reverse the growth defect of the yeast with the tam41 gene deleted

This variant is in compound heterozygosity with NM_001284401.1:c.806dup

Literature cited by the submitters: PubMed 35321494 (cited by OMIM).